The following is an entry in ClinVar:

ClinVar aggregate classification (germline): Conflicting classifications of pathogenicity. Review status: criteria provided, conflicting classifications (1 of 4 stars). 2 submissions from 2 submitters: Uncertain significance (1); Likely benign (1). Last evaluated 2025-10-23.

Allele frequency attached by ClinVar (database versions not stated): gnomAD exomes 0.00003 and 0.00009; ExAC 0.00004; gnomAD 0.00004 and 0.00005; TOPMed 0.00004; 1000 Genomes Project 30x 0.00016; 1000 Genomes Project 0.00020.

Submissions (2):

Labcorp Genetics (formerly Invitae), Labcorp
Classification: Uncertain significance. Last evaluated: 2025-10-23. Review status: criteria provided, single submitter. Criteria: Invitae Variant Classification Sherloc (09022015). Collection method: clinical testing. Allele origin: germline.
Comment: This sequence change replaces serine, which is neutral and polar, with leucine, which is neutral and non-polar, at codon 209 of the IMPDH1 protein (p.Ser209Leu). This variant is present in population databases (rs569384868, gnomAD 0.07%). This missense change has been observed in individual(s) with retinitis pigmentosa (PMID: 30076350). ClinVar contains an entry for this variant (Variation ID: 1023851). An algorithm developed to predict the effect of missense changes on protein structure and function (PolyPhen-2) suggests that this variant is likely to be tolerated. In summary, the available evidence is currently insufficient to determine the role of this variant in disease. Therefore, it has been classified as a Variant of Uncertain Significance.

Blueprint Genetics
Classification: Likely benign. Last evaluated: 2022-06-01. Review status: criteria provided, single submitter. Criteria: ACMG Guidelines, 2015. Collection method: clinical testing. Allele origin: germline.

Literature cited by the submitters: PubMed 30076350 (cited by Labcorp Genetics (formerly Invitae), Labcorp).

NM_000883.4(IMPDH1):c.626C>T (p.Ser209Leu)

Gene: IMPDH1 (inosine monophosphate dehydrogenase 1; minus strand). Cytogenetic location: 7q32.1.
Variant type: single nucleotide variant.
Coding change: c.626C>T on transcript NM_000883.4 (MANE Select); coding-DNA position 626, C replaced by T.
Protein change: p.Ser209Leu; replaces serine 209 with leucine.
Molecular consequence: missense variant.
Genome position (GRCh38, 1-based): chr7:128,400,493, G>A on the plus strand (C>T on the coding strand, the complement: IMPDH1 is on the minus strand). VCF-style: chr7-128400493-G-A. GRCh37 (hg19) VCF-style: chr7-128040547-G-A.
Other names: c.596C>T, p.Ser199Leu (NM_001102605.2); c.371C>T, p.Ser124Leu (NM_001142573.2); c.356C>T, p.Ser119Leu (NM_001142574.2); c.296C>T, p.Ser99Leu (NM_001142575.2); c.527C>T, p.Ser176Leu (NM_001142576.2); c.419C>T, p.Ser140Leu (NM_001304521.2); c.518C>T, p.Ser173Leu (NM_183243.3); short protein forms S119L, S124L, S140L, S173L, S176L, S199L, S209L, S99L.
Identifiers: ClinVar variation 1023851 (VCV001023851.10), dbSNP rs569384868, ClinGen allele CA4471092.